The following is an entry in ClinVar:

ClinVar aggregate classification (germline): Uncertain significance (1 of 4 stars; one submission).

Conditions:
Fanconi anemia (FA). Also called: Fanconi's anemia. Identifiers: Orphanet 84, MedGen C0015625, MeSH D005199, MONDO:0019391.

Allele frequency attached by ClinVar (database versions not stated): ExAC 0.00005; ESP Exome Variant Server 0.00009.
gnomAD v4.1: 2 of 1,550,862 alleles (0.00013%); highest among the groups gnomAD compares: Non-Finnish European, 0.00017%; no homozygotes.

Submission:

Labcorp Genetics (formerly Invitae), Labcorp
Classification: Uncertain significance for Fanconi anemia. Last evaluated: 2023-11-03. Review status: criteria provided, single submitter. Criteria: Invitae Variant Classification Sherloc (09022015). Collection method: clinical testing. Allele origin: germline.
Comment: This sequence change replaces proline, which is neutral and non-polar, with serine, which is neutral and polar, at codon 667 of the FANCA protein (p.Pro667Ser). This variant is present in population databases (rs147300317, gnomAD 0.001%). This variant has not been reported in the literature in individuals affected with FANCA-related conditions. ClinVar contains an entry for this variant (Variation ID: 1027067). Advanced modeling of protein sequence and biophysical properties (such as structural, functional, and spatial information, amino acid conservation, physicochemical variation, residue mobility, and thermodynamic stability) has been performed at Invitae for this missense variant, however the output from this modeling did not meet the statistical confidence thresholds required to predict the impact of this variant on FANCA protein function. In summary, the available evidence is currently insufficient to determine the role of this variant in disease. Therefore, it has been classified as a Variant of Uncertain Significance.

NM_000135.4(FANCA):c.1999C>T (p.Pro667Ser)

Gene: FANCA (FA complementation group A; minus strand). Cytogenetic location: 16q24.3.
Variant type: single nucleotide variant.
Coding change: c.1999C>T on transcript NM_000135.4 (MANE Select); coding-DNA position 1999, C replaced by T.
Protein change: p.Pro667Ser; replaces proline 667 with serine.
Molecular consequence: missense variant.
Genome position (GRCh38, 1-based): chr16:89,773,286, G>A on the plus strand (C>T on the coding strand, the complement: FANCA is on the minus strand). VCF-style: chr16-89773286-G-A. GRCh37 (hg19) VCF-style: chr16-89839694-G-A.
Other names: c.1999C>T, p.Pro667Ser (NM_001286167.3); short protein forms P667S.
Identifiers: ClinVar variation 1027067 (VCV001027067.7), dbSNP rs147300317, ClinGen allele CA8251961.